The following is an entry in ClinVar:

ClinVar aggregate classification (germline): Uncertain significance (1 of 4 stars; one submission).

Conditions:
Hyperinsulinism-hyperammonemia syndrome (HHF6). Identifiers: Orphanet 35878, MedGen C1847555, MONDO:0011717, OMIM 606762.

Allele frequency attached by ClinVar (database versions not stated): gnomAD exomes below 0.00001.
gnomAD v4.1: 1 of 1,538,188 alleles (0.000065%); highest among the groups gnomAD compares: Admixed American, 0.0018%; no homozygotes.

Submission:

Labcorp Genetics (formerly Invitae), Labcorp
Classification: Uncertain significance for Hyperinsulinism-hyperammonemia syndrome. Last evaluated: 2021-04-16. Review status: criteria provided, single submitter. Criteria: Invitae Variant Classification Sherloc (09022015). Collection method: clinical testing. Allele origin: germline.
Comment: In summary, the available evidence is currently insufficient to determine the role of this variant in disease. Therefore, it has been classified as a Variant of Uncertain Significance. Experimental studies and prediction algorithms are not available or were not evaluated, and the functional significance of this variant is currently unknown. This variant has been observed in individual(s) with GLUD1-related conditions (Invitae). ClinVar contains an entry for this variant (Variation ID: 1010602). This variant is not present in population databases (ExAC no frequency). This sequence change affects the initiator methionine of the GLUD1 mRNA. The next in-frame methionine is located at codon 69.

NM_005271.5(GLUD1):c.3G>A (p.Met1Ile)

Genes: SHLD2 (shieldin complex subunit 2; plus strand), GLUD1 (glutamate dehydrogenase 1; minus strand). Cytogenetic location: 10q23.2.
Variant type: single nucleotide variant.
Coding change: c.3G>A on transcript NM_005271.5 (MANE Select); coding-DNA position 3, G replaced by A.
Protein change: p.Met1Ile; changes the start codon (methionine 1).
Molecular consequence: missense variant, initiator codon variant. On other transcripts: 5 prime UTR variant (3).
Genome position (GRCh38, 1-based): chr10:87,094,767, C>T on the plus strand (G>A on the coding strand, the complement: GLUD1 is on the minus strand). VCF-style: chr10-87094767-C-T. GRCh37 (hg19) VCF-style: chr10-88854524-C-T.
Other names: c.-726G>A (NM_001318904.2); c.-852G>A (NM_001318905.2); c.-559G>A (NM_001318906.2); short protein forms M1I.
Identifiers: ClinVar variation 1010602 (VCV001010602.9), dbSNP rs1294286511, ClinGen allele CA377458724.